The following is an entry in ClinVar:

NM_001374736.1(DST):c.14434G>C (p.Glu4812Gln)

Gene: DST (dystonin; minus strand). Cytogenetic location: 6p12.1.
Variant type: single nucleotide variant.
Coding change: c.14434G>C on transcript NM_001374736.1 (MANE Select); coding-DNA position 14434, G replaced by C.
Protein change: p.Glu4812Gln; replaces glutamic acid 4812 with glutamine.
Molecular consequence: missense variant.
Genome position (GRCh38, 1-based): chr6:56,560,300, C>G on the plus strand (G>C on the coding strand, the complement: DST is on the minus strand). VCF-style: chr6-56560300-C-G. GRCh37 (hg19) VCF-style: chr6-56425098-C-G.
Other names: c.7543G>C, p.Glu2515Gln (NM_001386100.1, NM_183380.4, NM_001374730.1); c.6565G>C, p.Glu2189Gln (NM_015548.5); c.8077G>C, p.Glu2693Gln (NM_001144769.5); c.7663G>C, p.Glu2555Gln (NM_001144770.2); c.14434G>C, p.Glu4812Gln (NM_001374722.1); c.13801G>C, p.Glu4601Gln (NM_001374729.1); c.14461G>C, p.Glu4821Gln (NM_001374734.1); short protein forms E4601Q, E2189Q, E2515Q, E4821Q, E2555Q, E2693Q, E4812Q.
Identifiers: ClinVar variation 1042205 (VCV001042205.7), dbSNP rs779944990, ClinGen allele CA3868028.
Genomic context (GRCh38, chr6:56,560,300, plus strand): 5'-TGAAAAATGATTGCACTTTTCTTCATAGGCATTCATCTAAGTAACGCAACATACCTATTT[C>G]TGTCAACATCTGTTTCCATCTGGGGGCCTCAGGAGTATCTGGGTTCTCCTCCAACAGCTC-3'
Protein context (NP_001361665.1, residues 4802-4822): EAPRWKQMLT[Glu4812Gln]IDSKWQELNQ

ClinVar aggregate classification (germline): Uncertain significance (1 of 4 stars; one submission).

Conditions:
Epidermolysis bullosa simplex 3, localized or generalized intermediate, with BP230 deficiency (EBS3). Also called: Epidermolysis bullosa simplex, autosomal recessive 2; Epidermolysis bullosa simplex due to BP230 deficiency. Identifiers: Orphanet 412181, MedGen C3809470, MONDO:0014180, OMIM 615425.
Hereditary sensory and autonomic neuropathy type 6. Also called: Neuropathy, hereditary sensory and autonomic, type VI; HSAN VI. Identifiers: Orphanet 314381, MedGen C3539003, MONDO:0013839, OMIM 614653.

Allele frequency attached by ClinVar (database versions not stated): ExAC 0.00001; gnomAD exomes 0.00001.
gnomAD v4.1: 12 of 1,605,598 alleles (0.00075%); highest among the groups gnomAD compares: Non-Finnish European, 0.00094%; no homozygotes.

Submission:

Labcorp Genetics (formerly Invitae), Labcorp
Classification: Uncertain significance for Epidermolysis bullosa simplex 3, localized or generalized intermediate, with BP230 deficiency; Hereditary sensory and autonomic neuropathy type 6. Last evaluated: 2021-12-10. Review status: criteria provided, single submitter. Criteria: Invitae Variant Classification Sherloc (09022015). Collection method: clinical testing. Allele origin: germline.
Comment: The DST gene has multiple clinically relevant transcripts. This variant occurs in alternate transcript NM_015548.4, and corresponds to NM_001723.5:c.*55217G>C in the primary transcript. This sequence change replaces glutamic acid, which is acidic and polar, with glutamine, which is neutral and polar, at codon 2189 of the DST protein (p.Glu2189Gln). This variant is present in population databases (rs779944990, gnomAD 0.002%). This variant has not been reported in the literature in individuals affected with DST-related conditions. Experimental studies and prediction algorithms are not available or were not evaluated, and the functional significance of this variant is currently unknown. In summary, the available evidence is currently insufficient to determine the role of this variant in disease. Therefore, it has been classified as a Variant of Uncertain Significance.